The following is an entry in ClinVar:

ClinVar aggregate classification (germline): Likely pathogenic. Review status: criteria provided, multiple submitters, no conflicts (2 of 4 stars). 2 submissions from 2 submitters: Likely pathogenic (2). Last evaluated 2024-11-21.

Conditions:
Duchenne muscular dystrophy (DMD). Also called: MUSCULAR DYSTROPHY, PSEUDOHYPERTROPHIC PROGRESSIVE, DUCHENNE TYPE; Duchenne Muscular Dystrophy (DMD). Identifiers: Orphanet 98896, MedGen C0013264, MONDO:0010679, OMIM 310200.

Submissions (2):

Dasa
Classification: Likely pathogenic. Last evaluated: 2024-11-21. Review status: criteria provided, single submitter. Criteria: DASA Assertion Criteria. Collection method: clinical testing. Allele origin: germline.
Comment: NM_004006.3(DMD):c.10594G>T (p.Glu3532*) is a nonsense variant in DMD predicted to introduce a premature termination codon and is predicted to result in an absent or altered protein product. Loss of function is an established disease mechanism for DMD. Also, this variant is absent from population databases. Based on the currently available evidence, this variant is classified as likely pathogenic.

Kariminejad - Najmabadi Pathology & Genetics Center
Classification: Likely pathogenic for Duchenne muscular dystrophy. Last evaluated: 2021-03-07. Review status: criteria provided, single submitter. Criteria: ACMG Guidelines, 2015. Collection method: clinical testing. Allele origin: germline. Inheritance: X-linked inheritance. Affected: yes.
Comment: PVS1, PM2

NM_004006.3(DMD):c.10594G>T (p.Glu3532Ter)

Gene: DMD (dystrophin; minus strand). Cytogenetic location: Xp21.2.
Variant type: single nucleotide variant.
Coding change: c.10594G>T on transcript NM_004006.3 (MANE Select); coding-DNA position 10594, G replaced by T.
Protein change: p.Glu3532Ter; replaces glutamic acid 3532 with a stop codon.
Molecular consequence: nonsense.
Genome position (GRCh38, 1-based): chrX:31,147,478, C>A on the plus strand (G>T on the coding strand, the complement: DMD is on the minus strand). VCF-style: chrX-31147478-C-A. GRCh37 (hg19) VCF-style: chrX-31165595-C-A.
Other names: c.10570G>T, p.Glu3524Ter (NM_000109.4); c.10582G>T, p.Glu3528Ter (NM_004009.3); c.10225G>T, p.Glu3409Ter (NM_004010.3); c.6571G>T, p.Glu2191Ter (NM_004011.4); c.6562G>T, p.Glu2188Ter (NM_004012.4); c.3214G>T, p.Glu1072Ter (NM_004013.3, NM_004021.3); c.2407G>T, p.Glu803Ter (NM_004014.3); c.1390G>T, p.Glu464Ter (NM_004015.3, NM_004016.3); and 3 more; short protein forms E1059*, E1072*, E2188*, E2191*, E3409*, E3524*, E3528*, E3532*.
Identifiers: ClinVar variation 3896837 (VCV003896837.3).